The following is an entry in ClinVar:

NM_052865.4(MGME1):c.563C>G (p.Ser188Ter)

Gene: MGME1 (mitochondrial genome maintenance exonuclease 1; plus strand). Cytogenetic location: 20p11.23.
Variant type: single nucleotide variant.
Coding change: c.563C>G on transcript NM_052865.4 (MANE Select); coding-DNA position 563, C replaced by G.
Protein change: p.Ser188Ter; replaces serine 188 with a stop codon.
Molecular consequence: nonsense. On other transcripts: intron variant (1).
Genome position (GRCh38, 1-based): chr20:17,975,735, C>G. VCF-style: chr20-17975735-C-G. GRCh37 (hg19) VCF-style: chr20-17956378-C-G.
Other names: c.608C>G, p.Ser203Ter (NM_001310338.2); c.323C>G, p.Ser108Ter (NM_001363738.2); c.511+5365C>G (NM_001310339.2); short protein forms S108*, S188*, S203*.
Identifiers: ClinVar variation 2056466 (VCV002056466.4), dbSNP rs2035849257, ClinGen allele CA408340516.

ClinVar aggregate classification (germline): Pathogenic (1 of 4 stars; one submission).

Allele frequency attached by ClinVar (database versions not stated): TOPMed below 0.00001; gnomAD 0.00001.
gnomAD v4.1: 1 of 1,613,824 alleles (0.000062%); highest among the groups gnomAD compares: African/African-American, 0.0013%; no homozygotes.

Submission:

Labcorp Genetics (formerly Invitae), Labcorp
Classification: Pathogenic. Last evaluated: 2021-12-24. Review status: criteria provided, single submitter. Criteria: Invitae Variant Classification Sherloc (09022015). Collection method: clinical testing. Allele origin: germline.
Comment: For these reasons, this variant has been classified as Pathogenic. This variant has not been reported in the literature in individuals affected with MGME1-related conditions. This variant is not present in population databases (gnomAD no frequency). This sequence change creates a premature translational stop signal (p.Ser188*) in the MGME1 gene. It is expected to result in an absent or disrupted protein product. Loss-of-function variants in MGME1 are known to be pathogenic (PMID: 23313956).

Literature cited by the submitters: PubMed 23313956.